The following is an entry in ClinVar:

ClinVar aggregate classification (germline): Uncertain significance. Review status: criteria provided, multiple submitters, no conflicts (2 of 4 stars). 8 submissions from 8 submitters: Uncertain significance (7). 1 of the submissions does not count toward it. Last evaluated 2024-10-23.

Conditions:
TRIM32-related disorder. Also called: TRIM32-related condition.
Bardet-Biedl syndrome 11 (BBS11). Identifiers: Orphanet 110, MedGen C1859569, MONDO:0014439, OMIM 615988.
Sarcotubular myopathy (LGMDR8). Also called: Hutterite type of muscular dystrophy; Autosomal recessive limb-girdle muscular dystrophy type 2H; MUSCULAR DYSTROPHY, LIMB-GIRDLE, AUTOSOMAL RECESSIVE 8; Limb-girdle muscular dystrophy, type 2H. Identifiers: Orphanet 1878, MedGen C0270968, MONDO:0009683, OMIM 254110.
Inborn genetic diseases. Identifiers: MedGen C0950123, MeSH D030342.
Bardet-Biedl syndrome (BBS). Identifiers: Orphanet 110, MedGen C0752166, MONDO:0015229.

Allele frequency attached by ClinVar (database versions not stated): gnomAD 0.00007 and 0.00008; gnomAD exomes 0.00007 and 0.00011; ExAC 0.00008; TOPMed 0.00009; ESP Exome Variant Server 0.00015; 1000 Genomes Project 30x 0.00016; 1000 Genomes Project 0.00020.
gnomAD v4.1: 176 of 1,614,156 alleles (0.011%); highest among the groups gnomAD compares: Non-Finnish European, 0.014%; no homozygotes.

Submissions (8):

Blueprint Genetics
Classification: Uncertain significance. Last evaluated: 2024-10-23. Review status: criteria provided, single submitter. Criteria: ACMG Guidelines, 2015. Collection method: clinical testing. Allele origin: germline.

Labcorp Genetics (formerly Invitae), Labcorp
Classification: Uncertain significance for Bardet-Biedl syndrome. Last evaluated: 2022-10-13. Review status: criteria provided, single submitter. Criteria: Invitae Variant Classification Sherloc (09022015). Collection method: clinical testing. Allele origin: germline.
Comment: This sequence change replaces alanine, which is neutral and non-polar, with threonine, which is neutral and polar, at codon 338 of the TRIM32 protein (p.Ala338Thr). This variant is present in population databases (rs141806013, gnomAD 0.02%). This variant has not been reported in the literature in individuals affected with TRIM32-related conditions. ClinVar contains an entry for this variant (Variation ID: 452197). Algorithms developed to predict the effect of missense changes on protein structure and function (SIFT, PolyPhen-2, Align-GVGD) all suggest that this variant is likely to be tolerated. In summary, the available evidence is currently insufficient to determine the role of this variant in disease. Therefore, it has been classified as a Variant of Uncertain Significance.

Ambry Genetics
Classification: Uncertain significance for Inborn genetic diseases. Last evaluated: 2022-09-06. Review status: criteria provided, single submitter. Criteria: Ambry Variant Classification Scheme 2023. Collection method: clinical testing. Allele origin: germline.

Fulgent Genetics
Classification: Uncertain significance for Sarcotubular myopathy; Bardet-Biedl syndrome 11. Last evaluated: 2022-02-03. Review status: criteria provided, single submitter. Criteria: ACMG Guidelines, 2015. Collection method: clinical testing. Allele origin: unknown.

Revvity Omics, Revvity
Classification: Uncertain significance. Last evaluated: 2021-04-01. Review status: criteria provided, single submitter. Criteria: ACMG Guidelines, 2015. Collection method: clinical testing. Allele origin: germline.

Athena Diagnostics
Classification: Uncertain significance. Last evaluated: 2019-12-30. Review status: criteria provided, single submitter. Criteria: Athena Diagnostics Criteria. Collection method: clinical testing. Allele origin: unknown.

GeneDx
Classification: Uncertain significance. Last evaluated: 2017-09-18. Review status: criteria provided, single submitter. Criteria: GeneDx Variant Classification (06012015). Collection method: clinical testing. Allele origin: germline. Affected: yes.
Comment: A variant of uncertain significance has been identified in the TRIM32 gene. The A338T variant has not been published as a pathogenic variant, nor has it been reported as a benign variant to our knowledge. The A338T variant is observed in 10/66460 (0.02%) alleles from individuals of European background in the ExAC dataset (Lek et al., 2016). The A338T variant is a non-conservative amino acid substitution, which is likely to impact secondary protein structure as these residues differ in polarity, charge, size and/or other properties. However, this substitution occurs at a position that is not conserved, and in silico analysis predicts this variant likely does not alter the protein structure/function. Therefore, based on the currently available information, it is unclear whether this variant is a pathogenic variant or a rare benign variant.

PreventionGenetics, part of Exact Sciences
Classification: Uncertain significance for TRIM32-related condition. Last evaluated: 2024-08-12. Review status: no assertion criteria provided. Collection method: clinical testing. Allele origin: germline. Not counted in ClinVar's aggregate classification.
Comment: The TRIM32 c.1012G>A variant is predicted to result in the amino acid substitution p.Ala338Thr. To our knowledge, this variant has not been reported in the literature. This variant is reported in 0.015% of alleles in individuals of European (non-Finnish) descent in gnomAD. At this time, the clinical significance of this variant is uncertain due to the absence of conclusive functional and genetic evidence.

NM_012210.4(TRIM32):c.1012G>A (p.Ala338Thr)

Genes: ASTN2 (astrotactin 2; minus strand), TRIM32 (tripartite motif containing 32; plus strand). Cytogenetic location: 9q33.1.
Variant type: single nucleotide variant.
Coding change: c.1012G>A on transcript NM_012210.4 (MANE Select); coding-DNA position 1012, G replaced by A.
Protein change: p.Ala338Thr; replaces alanine 338 with threonine.
Molecular consequence: missense variant. On other transcripts: intron variant (3).
Genome position (GRCh38, 1-based): chr9:116,698,754, G>A. VCF-style: chr9-116698754-G-A. GRCh37 (hg19) VCF-style: chr9-119461033-G-A.
Other names: c.1012G>A, p.Ala338Thr (NM_001099679.2, NM_001379048.1, NM_001379049.1 and 1 more transcripts); c.2653+27017C>T (NM_014010.5); c.2794+27017C>T (NM_001365069.1); c.2806+27017C>T (NM_001365068.1); short protein forms A338T.
Identifiers: ClinVar variation 452197 (VCV000452197.16), dbSNP rs141806013, ClinGen allele CA5211090.